The following is an entry in ClinVar:

NM_000448.3(RAG1):c.2834A>G (p.His945Arg)

Gene: RAG1 (recombination activating 1; plus strand). Cytogenetic location: 11p12.
Variant type: single nucleotide variant.
Coding change: c.2834A>G on transcript NM_000448.3 (MANE Select); coding-DNA position 2834, A replaced by G.
Protein change: p.His945Arg; replaces histidine 945 with arginine.
Molecular consequence: missense variant.
Genome position (GRCh38, 1-based): chr11:36,576,138, A>G. VCF-style: chr11-36576138-A-G. GRCh37 (hg19) VCF-style: chr11-36597688-A-G.
Other names: c.2834A>G, p.His945Arg (NM_001377277.1, NM_001377278.1, NM_001377279.1 and 1 more transcripts); short protein forms H945R.
Identifiers: ClinVar variation 937997 (VCV000937997.9), dbSNP rs1850847083, ClinGen allele CA380135521.
Genomic context (GRCh38, chr11:36,576,138, plus strand): 5'-CGAAGTTCAAGTATAGGTATGAGGGAAAAATCACCAATTATTTTCACAAAACCCTGGCCC[A>G]TGTTCCTGAAATTATTGAGAGGGATGGCTCCATTGGGGCATGGGCAAGTGAGGGAAATGA-3'
Protein context (NP_000439.2, residues 935-955): ITNYFHKTLA[His945Arg]VPEIIERDGS

ClinVar aggregate classification (germline): Uncertain significance (1 of 4 stars; one submission).

Conditions:
Combined immunodeficiency with skin granulomas. Identifiers: Orphanet 157949, MedGen C2673536, MONDO:0009306, OMIM 233650.
Severe combined immunodeficiency, autosomal recessive, T cell-negative, B cell-negative, NK cell-positive. Also called: SCID, AR, T-cell negative, B-cell negative, NK cell-positive; SCID, T CELL-NEGATIVE, B CELL-NEGATIVE, NK CELL-POSITIVE; Severe combined immunodeficiency due to complete RAG1/2 deficiency. Identifiers: Orphanet 331206, MedGen C1832322, MONDO:0011086, OMIM 601457.

Allele frequency attached by ClinVar (database versions not stated): gnomAD exomes below 0.00001.
gnomAD v4.1: 1 of 1,614,068 alleles (0.000062%); highest among the groups gnomAD compares: Non-Finnish European, 0.000085%; no homozygotes.

Submission:

Labcorp Genetics (formerly Invitae), Labcorp
Classification: Uncertain significance for Combined immunodeficiency with skin granulomas; Severe combined immunodeficiency, autosomal recessive, T cell-negative, B cell-negative, NK cell-positive. Last evaluated: 2019-10-14. Review status: criteria provided, single submitter. Criteria: Invitae Variant Classification Sherloc (09022015). Collection method: clinical testing. Allele origin: germline.
Comment: This sequence change replaces histidine with arginine at codon 945 of the RAG1 protein (p.His945Arg). The histidine residue is highly conserved and there is a small physicochemical difference between histidine and arginine. This variant is not present in population databases (ExAC no frequency). This variant has not been reported in the literature in individuals with RAG1-related conditions. Algorithms developed to predict the effect of missense changes on protein structure and function are either unavailable or do not agree on the potential impact of this missense change (SIFT: "Deleterious"; PolyPhen-2: "Probably Damaging"; Align-GVGD: "Class C0"). In summary, the available evidence is currently insufficient to determine the role of this variant in disease. Therefore, it has been classified as a Variant of Uncertain Significance.